The following is an entry in ClinVar:

ClinVar aggregate classification (germline): Uncertain significance (1 of 4 stars; one submission).

Conditions:
Adams-Oliver syndrome 5 (AOS5). Identifiers: Orphanet 974, MedGen C4014970, MONDO:0014459, OMIM 616028.

Submission:

Labcorp Genetics (formerly Invitae), Labcorp
Classification: Uncertain significance for Adams-Oliver syndrome 5. Last evaluated: 2022-12-31. Review status: criteria provided, single submitter. Criteria: Invitae Variant Classification Sherloc (09022015). Collection method: clinical testing. Allele origin: germline.
Comment: In summary, the available evidence is currently insufficient to determine the role of this variant in disease. Therefore, it has been classified as a Variant of Uncertain Significance. Advanced modeling of protein sequence and biophysical properties (such as structural, functional, and spatial information, amino acid conservation, physicochemical variation, residue mobility, and thermodynamic stability) performed at Invitae indicates that this missense variant is not expected to disrupt NOTCH1 protein function. This variant has not been reported in the literature in individuals affected with NOTCH1-related conditions. This variant is not present in population databases (gnomAD no frequency). This sequence change replaces lysine, which is basic and polar, with arginine, which is basic and polar, at codon 2171 of the NOTCH1 protein (p.Lys2171Arg).

NM_017617.5(NOTCH1):c.6512A>G (p.Lys2171Arg)

Gene: NOTCH1 (notch receptor 1; minus strand). Cytogenetic location: 9q34.3.
Variant type: single nucleotide variant.
Coding change: c.6512A>G on transcript NM_017617.5 (MANE Select); coding-DNA position 6512, A replaced by G.
Protein change: p.Lys2171Arg; replaces lysine 2171 with arginine.
Molecular consequence: missense variant.
Genome position (GRCh38, 1-based): chr9:136,497,227, T>C on the plus strand (A>G on the coding strand, the complement: NOTCH1 is on the minus strand). VCF-style: chr9-136497227-T-C. GRCh37 (hg19) VCF-style: chr9-139391679-T-C.
Other names: short protein forms K2171R.
Identifiers: ClinVar variation 2825161 (VCV002825161.3), dbSNP rs2540422336, ClinGen allele CA375631455.